The following is an entry in ClinVar:

NM_000302.4(PLOD1):c.1118G>A (p.Arg373His)

Gene: PLOD1 (procollagen-lysine,2-oxoglutarate 5-dioxygenase 1; plus strand). Cytogenetic location: 1p36.22.
Variant type: single nucleotide variant.
Coding change: c.1118G>A on transcript NM_000302.4 (MANE Select); coding-DNA position 1118, G replaced by A.
Protein change: p.Arg373His; replaces arginine 373 with histidine.
Molecular consequence: missense variant.
Genome position (GRCh38, 1-based): chr1:11,963,552, G>A. VCF-style: chr1-11963552-G-A. GRCh37 (hg19) VCF-style: chr1-12023609-G-A.
Other names: c.1259G>A, p.Arg420His (NM_001316320.2); short protein forms R420H, R373H.
Identifiers: ClinVar variation 2450247 (VCV002450247.2), dbSNP rs2522849996, ClinGen allele CA338439724.

ClinVar aggregate classification (germline): Uncertain significance (1 of 4 stars; one submission).

Conditions:
Familial thoracic aortic aneurysm and aortic dissection (TAAD). Also called: Thoracic aortic aneurysms and dissections. Identifiers: Orphanet 91387, MedGen C4707243, MONDO:0019625.

Allele frequency attached by ClinVar (database versions not stated): gnomAD exomes 0.00001.
gnomAD v4.1: 19 of 1,601,438 alleles (0.0012%); highest among the groups gnomAD compares: Middle Eastern, 0.017%; no homozygotes.

Submission:

Ambry Genetics
Classification: Uncertain significance for Familial thoracic aortic aneurysm and aortic dissection. Last evaluated: 2022-12-16. Review status: criteria provided, single submitter. Criteria: Ambry Variant Classification Scheme 2023. Collection method: clinical testing. Allele origin: germline.
Comment: The p.R373H variant (also known as c.1118G>A), located in coding exon 11 of the PLOD1 gene, results from a G to A substitution at nucleotide position 1118. The arginine at codon 373 is replaced by histidine, an amino acid with highly similar properties. This amino acid position is conserved. In addition, this alteration is predicted to be tolerated by in silico analysis. Since supporting evidence is limited at this time, the clinical significance of this alteration remains unclear.